The following is an entry in ClinVar:

ClinVar aggregate classification (germline): Uncertain significance. Review status: criteria provided, multiple submitters, no conflicts (2 of 4 stars). 5 submissions from 5 submitters: Uncertain significance (5). Last evaluated 2025-12-16.

Conditions:
Retinal dystrophy. Also called: Inherited retinal dystrophy. Identifiers: Orphanet 71862, MedGen C0854723, MeSH D058499, MONDO:0019118, HP:0000556.
Retinitis pigmentosa (RP). Identifiers: Orphanet 791, MedGen C0035334, MeSH D012174, MONDO:0019200, OMIM 268000. Inheritance: Autosomal dominant, autosomal recessive and X linked inheritance.
Inborn genetic diseases. Identifiers: MedGen C0950123, MeSH D030342.

Allele frequency attached by ClinVar (database versions not stated): gnomAD 0.00003; gnomAD exomes 0.00003; ExAC 0.00004; TOPMed 0.00006.
gnomAD v4.1: 51 of 1,610,770 alleles (0.0032%); highest among the groups gnomAD compares: East Asian, 0.045%; no homozygotes.

Submissions (5):

Labcorp Genetics (formerly Invitae), Labcorp
Classification: Uncertain significance. Last evaluated: 2025-12-16. Review status: criteria provided, single submitter. Criteria: Invitae Variant Classification Sherloc (09022015). Collection method: clinical testing. Allele origin: germline.
Comment: This sequence change replaces alanine, which is neutral and non-polar, with threonine, which is neutral and polar, at codon 803 of the RBP3 protein (p.Ala803Thr). This variant is present in population databases (rs782632795, gnomAD 0.03%). This variant has not been reported in the literature in individuals affected with RBP3-related conditions. ClinVar contains an entry for this variant (Variation ID: 299966). Invitae Evidence Modeling of protein sequence and biophysical properties (such as structural, functional, and spatial information, amino acid conservation, physicochemical variation, residue mobility, and thermodynamic stability) indicates that this missense variant is not expected to disrupt RBP3 protein function with a negative predictive value of 80%. In summary, the available evidence is currently insufficient to determine the role of this variant in disease. Therefore, it has been classified as a Variant of Uncertain Significance.

Blueprint Genetics
Classification: Uncertain significance. Last evaluated: 2024-11-11. Review status: criteria provided, single submitter. Criteria: ACMG Guidelines, 2015. Collection method: clinical testing. Allele origin: germline.

Ambry Genetics
Classification: Uncertain significance for Inborn genetic diseases. Last evaluated: 2023-12-08. Review status: criteria provided, single submitter. Criteria: Ambry Variant Classification Scheme 2023. Collection method: clinical testing. Allele origin: germline.

Dept Of Ophthalmology, Nagoya University
Classification: Uncertain significance for Retinal dystrophy. Last evaluated: 2023-10-01. Review status: criteria provided, single submitter. Criteria: Submitter's publication. Collection method: research. Allele origin: germline. Affected: yes.

Illumina Laboratory Services, Illumina
Classification: Uncertain significance for Retinitis pigmentosa. Last evaluated: 2018-01-12. Review status: criteria provided, single submitter. Criteria: ICSL Variant Classification Criteria 13 December 2019. Collection method: clinical testing. Allele origin: germline.

NM_002900.3(RBP3):c.2407G>A (p.Ala803Thr)

Gene: RBP3 (retinol binding protein 3; plus strand). Cytogenetic location: 10q11.22.
Variant type: single nucleotide variant.
Coding change: c.2407G>A on transcript NM_002900.3 (MANE Select); coding-DNA position 2407, G replaced by A.
Protein change: p.Ala803Thr; replaces alanine 803 with threonine.
Molecular consequence: missense variant.
Genome position (GRCh38, 1-based): chr10:47,350,891, G>A. VCF-style: chr10-47350891-G-A. GRCh37 (hg19) VCF-style: chr10-48388471-C-T.
Other names: short protein forms A803T.
Identifiers: ClinVar variation 299966 (VCV000299966.11), dbSNP rs782632795, ClinGen allele CA5487289.
Genomic context (GRCh38, chr10:47,350,891, plus strand): 5'-CGCTACAACCCTGGCAGCTACTCCACGGCCATCCCGCTGCTCTGCTCCTACTTCTTTGAG[G>A]CAGAGCCCCGCCAGCACCTGTATTCTGTCTTTGACAGGGCCACCTCAAAAGTCACGGAGG-3'
Protein context (NP_002891.1, residues 793-813): IPLLCSYFFE[Ala803Thr]EPRQHLYSVF